The following is an entry in ClinVar:

NM_020184.4(CNNM4):c.2209A>C (p.Thr737Pro)

Gene: CNNM4 (cyclin and CBS domain divalent metal cation transport mediator 4; plus strand). Cytogenetic location: 2q11.2.
Variant type: single nucleotide variant.
Coding change: c.2209A>C on transcript NM_020184.4 (MANE Select); coding-DNA position 2209, A replaced by C.
Protein change: p.Thr737Pro; replaces threonine 737 with proline.
Molecular consequence: missense variant.
Genome position (GRCh38, 1-based): chr2:96,809,398, A>C. VCF-style: chr2-96809398-A-C. GRCh37 (hg19) VCF-style: chr2-97475135-A-C.
Other names: short protein forms T737P.
Identifiers: ClinVar variation 1412521 (VCV001412521.6), dbSNP rs369431180, ClinGen allele CA1783614.

ClinVar aggregate classification (germline): Uncertain significance (1 of 4 stars; one submission).

Allele frequency attached by ClinVar (database versions not stated): ExAC 0.00001; gnomAD 0.00001; gnomAD exomes 0.00001; TOPMed 0.00001; ESP Exome Variant Server 0.00008.
gnomAD v4.1: 6 of 1,613,060 alleles (0.00037%); highest among the groups gnomAD compares: Admixed American, 0.005%; no homozygotes.

Submission:

Labcorp Genetics (formerly Invitae), Labcorp
Classification: Uncertain significance. Last evaluated: 2021-11-28. Review status: criteria provided, single submitter. Criteria: Invitae Variant Classification Sherloc (09022015). Collection method: clinical testing. Allele origin: germline.
Comment: In summary, the available evidence is currently insufficient to determine the role of this variant in disease. Therefore, it has been classified as a Variant of Uncertain Significance. Algorithms developed to predict the effect of missense changes on protein structure and function (SIFT, PolyPhen-2, Align-GVGD) all suggest that this variant is likely to be tolerated. This variant has not been reported in the literature in individuals affected with CNNM4-related conditions. This variant is present in population databases (rs369431180, gnomAD 0.006%). This sequence change replaces threonine, which is neutral and polar, with proline, which is neutral and non-polar, at codon 737 of the CNNM4 protein (p.Thr737Pro).